The following is an entry in ClinVar:

ClinVar aggregate classification (germline): Conflicting classifications of pathogenicity. Review status: criteria provided, conflicting classifications (1 of 4 stars). 2 submissions from 2 submitters: Uncertain significance (1); Likely benign (1). Last evaluated 2026-05-27.

Conditions:
PCGF2-related disorder. Also called: PCGF2-related condition.

Allele frequency attached by ClinVar (database versions not stated): ExAC 0.00001; gnomAD 0.00001; gnomAD exomes 0.00001; 1000 Genomes Project 30x 0.00016.
gnomAD v4.1: 14 of 1,613,862 alleles (0.00087%); highest among the groups gnomAD compares: East Asian, 0.0022%; no homozygotes.

Submissions (2):

PreventionGenetics, part of Exact Sciences
Classification: Uncertain significance for PCGF2-related condition. Last evaluated: 2026-05-27. Review status: criteria provided, single submitter. Criteria: ACMG Guidelines, 2015. Collection method: clinical testing. Allele origin: germline.
Comment: The PCGF2 c.280C>T variant is predicted to result in the amino acid substitution p.Arg94Trp. To our knowledge, this variant has not been reported in the literature. This variant is reported in 0.0026% of alleles in individuals of European (Non-Finnish) descent in gnomAD. At this time, the clinical significance of this variant is uncertain due to the absence of conclusive functional and genetic evidence.

Labcorp Genetics (formerly Invitae), Labcorp
Classification: Likely benign. Last evaluated: 2025-03-22. Review status: criteria provided, single submitter. Criteria: Invitae Variant Classification Sherloc (09022015). Collection method: clinical testing. Allele origin: germline.

NM_007144.3(PCGF2):c.280C>T (p.Arg94Trp)

Gene: PCGF2 (polycomb group ring finger 2; minus strand). Cytogenetic location: 17q12.
Variant type: single nucleotide variant.
Coding change: c.280C>T on transcript NM_007144.3 (MANE Select); coding-DNA position 280, C replaced by T.
Protein change: p.Arg94Trp; replaces arginine 94 with tryptophan.
Molecular consequence: missense variant.
Genome position (GRCh38, 1-based): chr17:38,739,104, G>A on the plus strand (C>T on the coding strand, the complement: PCGF2 is on the minus strand). VCF-style: chr17-38739104-G-A. GRCh37 (hg19) VCF-style: chr17-36895357-G-A.
Other names: c.280C>T, p.Arg94Trp (NM_001369614.1, NM_001369615.1); c.280C>T (NM_007144.2); short protein forms R94W.
Identifiers: ClinVar variation 2887860 (VCV002887860.4), dbSNP rs749508532, ClinGen allele CA8525066.